The following is an entry in ClinVar:

NM_000062.3(SERPING1):c.308_311dup (p.Gln104fs)

Gene: SERPING1 (serpin family G member 1; plus strand). Cytogenetic location: 11q12.1.
Variant type: Microsatellite.
Coding change: c.308_311dup on transcript NM_000062.3 (MANE Select); coding-DNA positions 308 to 311, 4 bases duplicated (CCCA; older notation c.308_311dupCCCA).
Protein change: p.Gln104fs; shifts the reading frame from glutamine 104.
Molecular consequence: frameshift variant.
Genome position (GRCh38, 1-based): chr11:57,600,135-57,600,138, CCCA duplicated; duplicating any 4 consecutive bases within chr11:57,600,130-57,600,138 gives the same sequence; the c. name uses the placement nearest the transcript's 3' end. VCF-style (leftmost placement, unchanged base first): chr11-57600129-A-AACCC. GRCh37 (hg19) VCF-style: chr11-57367602-A-AACCC.
Other names: c.308_311dup, p.Gln104fs (NM_001032295.2); short protein forms Q104fs.
Identifiers: ClinVar variation 3338295 (VCV003338295.2).

ClinVar aggregate classification (germline): Pathogenic (1 of 4 stars; one submission).

Conditions:
Hereditary angioedema type 1 (HAE1). Identifiers: Orphanet 100050, Orphanet 100051, Orphanet 91378, MedGen C2717906, MONDO:0015053, OMIM 106100.

Submission:

DNA-diagnostics Laboratory, Research Centre For Medical Genetics
Classification: Pathogenic for Hereditary angioedema type 1. Last evaluated: 2024-08-03. Review status: criteria provided, single submitter. Criteria: ACMG Guidelines, 2015. Collection method: research. Allele origin: unknown. Inheritance: Autosomal dominant inheritance. Affected: yes. Observed: 1 heterozygote.
Comment: The pathogenic or likely pathogenic SERPING1 gene variants are detected in >90% of the HAE1/2 families and in >80% of the total HAE families (e.g., DOI: 10.1016/j.molimm.2008.05.007, 10.1159/2F000138883, 10.1016/j.molimm.2011.07.010). Across all SERPING1 gene exons, about 50% of the pathogenic or likely pathogenic variants associated with HAE are LoF (173/297 in ClinVar or 292/596 in HGMD 2022.1). The c.308_311dup variant in SERPING1 is localized in exon 3 from total of eight gene exons assembling biologically-relevant transcripts, and it is predicted to result in the p.(Gln104Hisfs*30) frameshift and NMD. Additionally more than 3 LoF variants of the exon 3 SERPING1 gene are pathogenic without the PVS1 criterion: for example, such variants as c.346C>T (p.Gln116*, DOI: 10.1067/mai.2000.110471, 10.1371/journal.pone.0142174), c.120_121del (ClinVar ID: 3248624), c.550+5G>A (ClinVar ID: 3248617) and c.550G>A (p.Gly184Arg, ClinVar ID: 68253). According to our observation , the c.308_311dup variant in SERPING1 meets ACMG/ClinGen SVI guidance criteria to be classified as pathogenic: PVS1, PP4_Mod, PM2_Sup